The following is an entry in ClinVar:

ClinVar aggregate classification (germline): Uncertain significance (1 of 4 stars; one submission).

Conditions:
Inborn genetic diseases. Identifiers: MedGen C0950123, MeSH D030342.

Submission:

Ambry Genetics
Classification: Uncertain significance for Inborn genetic diseases. Last evaluated: 2026-09-11. Review status: criteria provided, single submitter. Criteria: Ambry Variant Classification Scheme 2023. Collection method: clinical testing. Allele origin: germline.
Comment: The c.568C>T (p.P190S) alteration is located in exon 1 (coding exon 1) of the IRF2BPL gene. This alteration results from a C to T substitution at nucleotide position 568, causing the proline (P) at amino acid position 190 to be replaced by a serine (S). Based on data from gnomAD, the T allele has an overall frequency of <0.001% (1/266060) total alleles studied. The highest observed frequency was 0.001% (1/119414) of European (non-Finnish) alleles. Based on insufficient or conflicting evidence, the clinical significance of this alteration remains unclear.

NM_024496.4(IRF2BPL):c.568C>T (p.Pro190Ser)

Gene: IRF2BPL (interferon regulatory factor 2 binding protein like; minus strand). Cytogenetic location: 14q24.3.
Variant type: single nucleotide variant.
Coding change: c.568C>T on transcript NM_024496.4 (MANE Select); coding-DNA position 568, C replaced by T.
Protein change: p.Pro190Ser; replaces proline 190 with serine.
Molecular consequence: missense variant.
Genome position (GRCh38, 1-based): chr14:77,027,225, G>A on the plus strand (C>T on the coding strand, the complement: IRF2BPL is on the minus strand). VCF-style: chr14-77027225-G-A. GRCh37 (hg19) VCF-style: chr14-77493568-G-A.
Other names: short protein forms P190S.
Identifiers: ClinVar variation 5022823 (VCV005022823.1).